The following is an entry in ClinVar:

NC_012920.1(MT-CO3):m.9856T>C

Gene: MT-CO3 (mitochondrially encoded cytochrome c oxidase III; plus strand).
Variant type: single nucleotide variant.
Genome position: chrM-9856-T-C.
Identifiers: ClinVar variation 693242 (VCV000693242.1), dbSNP rs1603222553, ClinGen allele CA414803860.
Genomic context (GRCh38, chrMT:9,856, plus strand): 5'-TTTTTGTAGCCACAGGCTTCCACGGACTTCACGTCATTATTGGCTCAACTTTCCTCACTA[T>C]CTGCTTCATCCGCCAACTAATATTTCACTTTACATCCAAACATCACTTTGGCTTCGAAGC-3'

ClinVar aggregate classification (germline): Likely benign (1 of 4 stars; one submission).

Conditions:
Leigh syndrome (NULS). Also called: Leigh's necrotizing encephalopathy; Leigh's disease; Leigh Syndrome (mtDNA deletion); Leigh Disease; Subacute necrotizing encephalopathy; Necrotizing encephalopathy infantile subacute of Leigh. Identifiers: Orphanet 506, MedGen C2931891, MONDO:0009723, OMIM 256000.

Submission:

Wong Mito Lab, Molecular and Human Genetics, Baylor College of Medicine
Classification: Likely benign for Leigh syndrome. Last evaluated: 2019-10-17. Review status: criteria provided, single submitter. Criteria: Modified ACMG Guidelines (Unpublished). Collection method: clinical testing. Allele origin: germline.
Comment: The NC_012920.1:m.9856T>C (YP_003024032.1:p.Ile217Thr) variant in MTCO3 gene is interpretated to be a Likely Benign variant based on the modified ACMG guidelines (unpublished). This variant meets the following evidence codes: BS1, BP4